The following is an entry in ClinVar:

NM_001283009.2(RTEL1):c.140G>T (p.Gly47Val)

Genes: RTEL1 (regulator of telomere elongation helicase 1; plus strand), RTEL1-TNFRSF6B (RTEL1-TNFRSF6B readthrough (NMD candidate); plus strand). Cytogenetic location: 20q13.33.
Variant type: single nucleotide variant.
Coding change: c.140G>T on transcript NM_001283009.2 (MANE Select); coding-DNA position 140, G replaced by T.
Protein change: p.Gly47Val; replaces glycine 47 with valine.
Molecular consequence: missense variant. On other transcripts: non-coding transcript variant (1), 5 prime UTR variant (1).
Genome position (GRCh38, 1-based): chr20:63,661,335, G>T. VCF-style: chr20-63661335-G-T. GRCh37 (hg19) VCF-style: chr20-62292688-G-T.
Other names: c.-530G>T (NM_001283010.1); c.140G>T, p.Gly47Val (NM_016434.4, NM_032957.5); short protein forms G47V.
Identifiers: ClinVar variation 4157672 (VCV004157672.1).

ClinVar aggregate classification (germline): Uncertain significance (1 of 4 stars; one submission).

Conditions:
Inborn genetic diseases. Identifiers: MedGen C0950123, MeSH D030342.

Submission:

Ambry Genetics
Classification: Uncertain significance for Inborn genetic diseases. Last evaluated: 2025-08-20. Review status: criteria provided, single submitter. Criteria: Ambry Variant Classification Scheme 2023. Collection method: clinical testing. Allele origin: germline.
Comment: The p.G47V variant (also known as c.140G>T), located in coding exon 2 of the RTEL1 gene, results from a G to T substitution at nucleotide position 140. The glycine at codon 47 is replaced by valine, an amino acid with dissimilar properties. This amino acid position is conserved. In addition, this alteration is predicted to be deleterious by in silico analysis. Based on the available evidence, the clinical significance of this variant remains unclear.